The following is an entry in ClinVar:

NM_003816.3(ADAM9):c.1787G>A (p.Arg596Gln)

Gene: ADAM9 (ADAM metallopeptidase domain 9; plus strand). Cytogenetic location: 8p11.22.
Variant type: single nucleotide variant.
Coding change: c.1787G>A on transcript NM_003816.3 (MANE Select); coding-DNA position 1787, G replaced by A.
Protein change: p.Arg596Gln; replaces arginine 596 with glutamine.
Molecular consequence: missense variant. On other transcripts: non-coding transcript variant (3).
Genome position (GRCh38, 1-based): chr8:39,077,317, G>A. VCF-style: chr8-39077317-G-A. GRCh37 (hg19) VCF-style: chr8-38934836-G-A.
Other names: short protein forms R596Q.
Identifiers: ClinVar variation 940176 (VCV000940176.6), dbSNP rs138482520, ClinGen allele CA4721723.
Genomic context (GRCh38, chr8:39,077,317, plus strand): 5'-AGAATGTACAAGAGATACCTGTATTTGGAATTGTGCCTGCTATTATTCAAACGCCTAGTC[G>A]AGGCACCAAATGTTGGGGTGTGGATTTCCAGCTAGGATCAGATGTTCCAGATCCTGGGAT-3'
Protein context (NP_003807.1, residues 586-606): IVPAIIQTPS[Arg596Gln]GTKCWGVDFQ

ClinVar aggregate classification (germline): Uncertain significance. Review status: criteria provided, multiple submitters, no conflicts (2 of 4 stars). 3 submissions from 3 submitters: Uncertain significance (3). Last evaluated 2025-08-12.

Conditions:
Inborn genetic diseases. Identifiers: MedGen C0950123, MeSH D030342.

Allele frequency attached by ClinVar (database versions not stated): ExAC 0.00001; gnomAD exomes 0.00001; ESP Exome Variant Server 0.00008; 1000 Genomes Project 0.00020; 1000 Genomes Project 30x 0.00031.

Submissions (3):

Ambry Genetics
Classification: Uncertain significance for Inborn genetic diseases. Last evaluated: 2025-08-12. Review status: criteria provided, single submitter. Criteria: Ambry Variant Classification Scheme 2023. Collection method: clinical testing. Allele origin: germline.

Blueprint Genetics
Classification: Uncertain significance. Last evaluated: 2024-09-03. Review status: criteria provided, single submitter. Criteria: ACMG Guidelines, 2015. Collection method: clinical testing. Allele origin: germline.

Labcorp Genetics (formerly Invitae), Labcorp
Classification: Uncertain significance. Last evaluated: 2022-10-05. Review status: criteria provided, single submitter. Criteria: Invitae Variant Classification Sherloc (09022015). Collection method: clinical testing. Allele origin: germline.
Comment: This sequence change replaces arginine, which is basic and polar, with glutamine, which is neutral and polar, at codon 596 of the ADAM9 protein (p.Arg596Gln). This variant is present in population databases (rs138482520, gnomAD 0.007%). This variant has not been reported in the literature in individuals affected with ADAM9-related conditions. ClinVar contains an entry for this variant (Variation ID: 940176). Advanced modeling of protein sequence and biophysical properties (such as structural, functional, and spatial information, amino acid conservation, physicochemical variation, residue mobility, and thermodynamic stability) performed at Invitae indicates that this missense variant is not expected to disrupt ADAM9 protein function. In summary, the available evidence is currently insufficient to determine the role of this variant in disease. Therefore, it has been classified as a Variant of Uncertain Significance.